The following is an entry in ClinVar:

NM_000095.3(COMP):c.1A>G (p.Met1Val)

Gene: COMP (cartilage oligomeric matrix protein; minus strand). Cytogenetic location: 19p13.11.
Variant type: single nucleotide variant.
Coding change: c.1A>G on transcript NM_000095.3 (MANE Select); coding-DNA position 1, A replaced by G.
Protein change: p.Met1Val; changes the start codon (methionine 1).
Molecular consequence: missense variant, initiator codon variant.
Genome position (GRCh38, 1-based): chr19:18,791,269, T>C on the plus strand (A>G on the coding strand, the complement: COMP is on the minus strand). VCF-style: chr19-18791269-T-C. GRCh37 (hg19) VCF-style: chr19-18902078-T-C.
Other names: short protein forms M1V.
Identifiers: ClinVar variation 1184999 (VCV001184999.4), dbSNP rs2145906023, ClinGen allele CA404900075.
Genomic context (GRCh38, chr19:18,791,269, plus strand): 5'-GTCCGGACGCGCCGAGGGCAGCCAGGGTGAGCAGAAGAACGCAGGCGGTGTCGGGGACCA[T>C]GGCGGTGGCGGGGAGCTGGGTGGCTGCTCGCTTTCTACCGCCCACGAGGCCCGCGGGGCC-3'
Protein context (NP_000086.2, residues 1-11): [Met1Val]VPDTACVLLL

ClinVar aggregate classification (germline): Uncertain significance (1 of 4 stars; one submission).

Conditions:
Carpal tunnel syndrome 2. Identifiers: MedGen C5436916, MONDO:0030883, OMIM 619161.

Allele frequency attached by ClinVar (database versions not stated): gnomAD exomes below 0.00001.

Submission:

Institute of Human Genetics, University of Goettingen
Classification: Uncertain significance for Carpal tunnel syndrome 2. Last evaluated: 2021-03-17. Review status: criteria provided, single submitter. Criteria: ACMG Guidelines, 2015. Collection method: clinical testing. Allele origin: germline. Inheritance: Autosomal dominant inheritance. Affected: yes. Observed: 1 variant allele, 1 heterozygote.
Comment: The variant c.1A>G (p.(?)) in exon 1 of the COMP-gene is not found in the gnomAD database: Substitution affects the translation initiation codon (Met1) and (most)probably leads to a change in the protein structure. Pathogenic computational verdict based on 6 pathogenic predictions from BayesDel_addAF, FATHMM-MKL, LIST-S2, M-CAP, MutationTaster and SIFT vs 4 benign predictions from DANN, DEOGEN2, EIGEN and MVP. ACMG criteria used for classification: PVS1, PM2, PP3.